The following is an entry in ClinVar:

NM_015570.4(AUTS2):c.2153C>T (p.Ala718Val)

Gene: AUTS2 (activator of transcription and developmental regulator AUTS2; plus strand). Cytogenetic location: 7q11.22.
Variant type: single nucleotide variant.
Coding change: c.2153C>T on transcript NM_015570.4 (MANE Select); coding-DNA position 2153, C replaced by T.
Protein change: p.Ala718Val; replaces alanine 718 with valine.
Molecular consequence: missense variant.
Genome position (GRCh38, 1-based): chr7:70,784,948, C>T. VCF-style: chr7-70784948-C-T. GRCh37 (hg19) VCF-style: chr7-70249934-C-T.
Other names: c.2081C>T, p.Ala694Val (NM_001127231.3); short protein forms A694V, A718V.
Identifiers: ClinVar variation 1805686 (VCV001805686.1), dbSNP rs2484904073, ClinGen allele CA367663320.

ClinVar aggregate classification (germline): Uncertain significance (1 of 4 stars; one submission).

Conditions:
Autism spectrum disorder due to AUTS2 deficiency (MRD26). Also called: INTELLECTUAL DEVELOPMENTAL DISORDER, AUTOSOMAL DOMINANT 26. Identifiers: Orphanet 352490, MedGen C4014435, MONDO:0014361, OMIM 615834.

Allele frequency attached by ClinVar (database versions not stated): gnomAD exomes below 0.00001.
gnomAD v4.1: 1 of 1,614,072 alleles (0.000062%); highest among the groups gnomAD compares: Non-Finnish European, 0.000085%; no homozygotes.

Submission:

Victorian Clinical Genetics Services, Murdoch Childrens Research Institute
Classification: Uncertain significance for Autism spectrum disorder due to AUTS2 deficiency. Last evaluated: 2019-08-28. Review status: criteria provided, single submitter. Criteria: ACMG Guidelines, 2015. Collection method: clinical testing. Allele origin: germline. Inheritance: Autosomal dominant inheritance. Affected: yes.
Comment: A heterozygous missense variant was identified, NM_015570.3(AUST2):c.2153C>T in exon 16 of 19 of the AUTS2 gene (NB: This variant is non-coding in an alternative transcript). This substitution is predicted to create a minor amino acid change from alanine to valine at position 718 of the protein, NP_056385.1(AUST2):p.(Ala718Val). The alanine at this position has moderate conservation (100 vertebrates, UCSC), and is located within the AUTS2 functional domain. In silico software predictions of the pathogenicity of this variant are conflicting (PolyPhen, SIFT, CADD, MutationTaster). The variant is not present in the gnomAD population database. An alternative change to threonine at the same residue has been reported in the gnomAD database at a frequency of 0.0004%. The variant has not previously been reported in clinical cases. Based on information available at the time of curation, this variant has been classified as a VARIANT of UNCERTAIN SIGNIFICANCE (VUS) with LOW CLINICAL RELEVANCE. NB: Transcript NM_015570.3 was chosen for analysis because it is the most clinically relevant isoform and the impact of the variant is predicted to be the most deleterious to the protein. However, in another transcript of this gene this variant is non-coding.